The following is an entry in ClinVar:

NM_000492.4(CFTR):c.1585-9372C>A

Gene: CFTR (CF transmembrane conductance regulator; plus strand). Cytogenetic location: 7q31.2.
Variant type: single nucleotide variant.
Coding change: c.1585-9372C>A on transcript NM_000492.4 (MANE Select); 9372 bases into the intron before coding-DNA position 1585, C replaced by A.
Molecular consequence: intron variant.
Genome position (GRCh38, 1-based): chr7:117,578,367, C>A. VCF-style: chr7-117578367-C-A. GRCh37 (hg19) VCF-style: chr7-117218421-C-A.
Identifiers: ClinVar variation 3350895 (VCV003350895.1).

ClinVar aggregate classification (germline): Likely benign (0 of 4 stars; one submission).

Conditions:
CFTR-related disorder (CFTR-RD). Also called: CFTR-related disorders; CFTR-related condition. Identifiers: MedGen C5924204, MONDO:7770004.

gnomAD v4.1: 6 of 152,022 alleles (0.0039%); highest among the groups gnomAD compares: Admixed American, 0.0066%; no homozygotes.

Submission:

PreventionGenetics, part of Exact Sciences
Classification: Likely benign for CFTR-related condition. Last evaluated: 2024-08-05. Review status: no assertion criteria provided. Collection method: clinical testing. Allele origin: germline.
Comment: This variant is classified as likely benign based on ACMG/AMP sequence variant interpretation guidelines (Richards et al. 2015 PMID: 25741868, with internal and published modifications).